The following is an entry in ClinVar:

NM_002335.4(LRP5):c.4488+2_4488+17del

Gene: LRP5 (LDL receptor related protein 5; plus strand). Cytogenetic location: 11q13.2.
Variant type: Deletion.
Coding change: c.4488+2_4488+17del on transcript NM_002335.4 (MANE Select); the canonical splice donor site of the intron after coding-DNA position 4488 through 17 bases into the intron after coding-DNA position 4488, 16 bases deleted (TGAGGGGCGGGGCCGG).
Molecular consequence: splice donor variant.
Genome position (GRCh38, 1-based): chr11:68,439,918-68,439,933, TGAGGGGCGGGGCCGG deleted; deleting any 16 consecutive bases within chr11:68,439,913-68,439,933 gives the same sequence; the c. name uses the placement nearest the transcript's 3' end. VCF-style (leftmost placement, unchanged base first): chr11-68439912-CGCCGGTGAGGGGCGGG-C. GRCh37 (hg19) VCF-style: chr11-68207380-CGCCGGTGAGGGGCGGG-C.
Other names: c.2745+2_2745+17del (NM_001291902.2).
Identifiers: ClinVar variation 1380194 (VCV001380194.7), dbSNP rs2153182108, ClinGen allele CA2573147538.

ClinVar aggregate classification (germline): Pathogenic/Likely pathogenic. Review status: criteria provided, multiple submitters, no conflicts (2 of 4 stars). 2 submissions from 2 submitters: Pathogenic (1); Likely pathogenic (1). Last evaluated 2023-11-27.

Conditions:
LRP5-related disorder. Also called: LRP5-related condition.

Submissions (2):

Labcorp Genetics (formerly Invitae), Labcorp
Classification: Pathogenic. Last evaluated: 2023-11-27. Review status: criteria provided, single submitter. Criteria: Invitae Variant Classification Sherloc (09022015). Collection method: clinical testing. Allele origin: germline.
Comment: This sequence change affects a splice site in intron 21 of the LRP5 gene. It is expected to disrupt RNA splicing. Variants that disrupt the donor or acceptor splice site typically lead to a loss of protein function (PMID: 16199547), and loss-of-function variants in LRP5 are known to be pathogenic (PMID: 11719191, 16252235, 25711638). This variant is not present in population databases (gnomAD no frequency). Disruption of this splice site has been observed in individual(s) with clinical features of familial exudative vitreoretinopathy (Invitae). It has also been observed to segregate with disease in related individuals. ClinVar contains an entry for this variant (Variation ID: 1380194). For these reasons, this variant has been classified as Pathogenic.

Blueprint Genetics
Classification: Likely pathogenic for LRP5-related disorders. Last evaluated: 2018-12-01. Review status: criteria provided, single submitter. Criteria: ACMG Guidelines, 2015. Collection method: clinical testing. Allele origin: germline. Affected: yes. Observed: 1 variant allele.

Literature cited by the submitters: PubMed 16199547 (cited by Labcorp Genetics (formerly Invitae), Labcorp); PubMed 11719191 (cited by Labcorp Genetics (formerly Invitae), Labcorp); PubMed 16252235 (cited by Labcorp Genetics (formerly Invitae), Labcorp); PubMed 25711638 (cited by Labcorp Genetics (formerly Invitae), Labcorp).